The following is an entry in ClinVar:

NM_004371.4(COPA):c.2729del (p.Pro910fs)

Gene: COPA (coat protein complex I subunit alpha; minus strand). Cytogenetic location: 1q23.2.
Variant type: Deletion.
Coding change: c.2729del on transcript NM_004371.4 (MANE Select); coding-DNA position 2729, one base deleted (C; older notation c.2729delC).
Protein change: p.Pro910fs; shifts the reading frame from proline 910.
Molecular consequence: frameshift variant.
Genome position (GRCh38, 1-based): chr1:160,293,411, G deleted on the plus strand (C on the coding strand, the reverse complement: COPA is on the minus strand); the first of 5 consecutive G bases (chr1:160,293,411-160,293,415); deleting any one gives the same sequence. VCF-style (leftmost placement, unchanged base first): chr1-160293410-TG-T. GRCh37 (hg19) VCF-style: chr1-160263200-TG-T.
Other names: c.2756del, p.Pro919fs (NM_001098398.2); short protein forms P910fs, P919fs.
Identifiers: ClinVar variation 4883880 (VCV004883880.2).

ClinVar aggregate classification (germline): Uncertain significance (1 of 4 stars; one submission).

Submission:

Dasa
Classification: Uncertain significance. Last evaluated: 2025-05-12. Review status: criteria provided, single submitter. Criteria: DASA Assertion Criteria. Collection method: clinical testing. Allele origin: germline.
Comment: NM_004371.4(COPA):c.2729del (p.Pro910Glnfs*38) is a frameshift variant in COPA predicted to alter the reading frame and introduce a premature termination codon. This variant is absent from population databases. The currently available literature and clinical evidence are not sufficient to establish a definitive association between this variant and the reported condition. Therefore, this variant is classified as a variant of uncertain significance.